The following is an entry in ClinVar:

ClinVar aggregate classification (germline): Pathogenic (1 of 4 stars; one submission).

Conditions:
PKD1-related disorder. Also called: PKD1-related condition.

Submission:

PreventionGenetics, part of Exact Sciences
Classification: Pathogenic for PKD1-related condition. Last evaluated: 2023-07-29. Review status: criteria provided, single submitter. Criteria: ACMG Guidelines, 2015. Collection method: clinical testing. Allele origin: germline.
Comment: The PKD1 c.8925dupC variant is predicted to result in a frameshift and premature protein termination (p.Tyr2976Leufs*93). To our knowledge, this variant has not been reported in the literature or in a large population database, indicating this variant is rare. Frameshift variants in PKD1 are expected to be pathogenic. This variant is interpreted as pathogenic.

NM_001009944.3(PKD1):c.8925dup (p.Tyr2976fs)

Gene: PKD1 (polycystin 1, transient receptor potential channel interacting; minus strand). Cytogenetic location: 16p13.3.
Variant type: Duplication.
Coding change: c.8925dup on transcript NM_001009944.3 (MANE Select); coding-DNA position 8925, one base duplicated (C; older notation c.8925dupC).
Protein change: p.Tyr2976fs; shifts the reading frame from tyrosine 2976.
Molecular consequence: frameshift variant.
Genome position (GRCh38, 1-based): chr16:2,102,837, G duplicated on the plus strand (C on the coding strand, the reverse complement: PKD1 is on the minus strand); the first of 3 consecutive G bases (chr16:2,102,837-2,102,839); duplicating any one gives the same sequence. VCF-style (leftmost placement, unchanged base first): chr16-2102836-A-AG. GRCh37 (hg19) VCF-style: chr16-2152837-A-AG.
Other names: c.8925dup, p.Tyr2976fs (NM_000296.4); c.8925dupC (NM_001009944.2); short protein forms Y2976fs.
Identifiers: ClinVar variation 2631778 (VCV002631778.1), dbSNP rs2544736793, ClinGen allele CA2695197390.
Genomic context (GRCh38, chr16:2,102,836, plus strand): 5'-CCCTGCCCTGCCCTGCCAGGCTGGCCCGCAGAGCTCACCCCGGGGAAATGAAGAAGGTGT[A>AG]GGGCCGGTGGTCAGCACCCTGGAGTGACTCTGGGCGGATCCTCCTGCTAGCCGAGCAGTT-3'